The following is an entry in ClinVar:

NM_001276345.2(TNNT2):c.52+17G>A

Gene: TNNT2 (troponin T2, cardiac type; minus strand). Cytogenetic location: 1q32.1.
Variant type: single nucleotide variant.
Coding change: c.52+17G>A on transcript NM_001276345.2 (MANE Select); 17 bases into the intron after coding-DNA position 52, G replaced by A.
Molecular consequence: intron variant.
Genome position (GRCh38, 1-based): chr1:201,372,128, C>T on the plus strand (G>A on the coding strand, the complement: TNNT2 is on the minus strand). VCF-style: chr1-201372128-C-T. GRCh37 (hg19) VCF-style: chr1-201341256-C-T.
Other names: c.52+17G>A (NM_001001432.3, NM_001001431.3, NM_001001430.3 and 3 more transcripts).
Identifiers: ClinVar variation 511399 (VCV000511399.3), dbSNP rs776357102, ClinGen allele CA077305.

ClinVar aggregate classification (germline): Likely benign. Review status: criteria provided, multiple submitters, no conflicts (2 of 4 stars). 3 submissions from 3 submitters: Likely benign (3). Last evaluated 2025-11-01.

Conditions:
Hypertrophic cardiomyopathy 2. Also called: TNNT2-Related Familial Hypertrophic Cardiomyopathy. Identifiers: MedGen C1861864, MONDO:0007266, OMIM 115195.
Dilated cardiomyopathy 1D. Identifiers: Orphanet 154, Orphanet 54260, MedGen C1832243, MONDO:0011095, OMIM 601494.
Cardiomyopathy, familial restrictive, 3. Identifiers: Orphanet 75249, MedGen C2676271, MONDO:0012900, OMIM 612422.

Allele frequency attached by ClinVar (database versions not stated): gnomAD exomes 0.00001 and 0.00002; ExAC 0.00003.
gnomAD v4.1: 19 of 1,614,166 alleles (0.0012%); highest among the groups gnomAD compares: South Asian, 0.019%; no homozygotes.

Submissions (3):

Labcorp Genetics (formerly Invitae), Labcorp
Classification: Likely benign for Cardiomyopathy, familial restrictive, 3; Hypertrophic cardiomyopathy 2; Dilated cardiomyopathy 1D. Last evaluated: 2025-11-01. Review status: criteria provided, single submitter. Criteria: Invitae Variant Classification Sherloc (09022015). Collection method: clinical testing. Allele origin: germline.

Blueprint Genetics
Classification: Likely benign. Last evaluated: 2023-06-07. Review status: criteria provided, single submitter. Criteria: ACMG Guidelines, 2015. Collection method: clinical testing. Allele origin: germline.

GeneDx
Classification: Likely benign. Last evaluated: 2017-08-10. Review status: criteria provided, single submitter. Criteria: GeneDx Variant Classification (06012015). Collection method: clinical testing. Allele origin: germline. Affected: yes.
Comment: This variant is considered likely benign or benign based on one or more of the following criteria: it is a conservative change, it occurs at a poorly conserved position in the protein, it is predicted to be benign by multiple in silico algorithms, and/or has population frequency not consistent with disease.